The following is an entry in ClinVar:

NM_004380.3(CREBBP):c.6488G>T (p.Gly2163Val)

Gene: CREBBP (CREB binding lysine acetyltransferase; minus strand). Cytogenetic location: 16p13.3.
Variant type: single nucleotide variant.
Coding change: c.6488G>T on transcript NM_004380.3 (MANE Select); coding-DNA position 6488, G replaced by T.
Protein change: p.Gly2163Val; replaces glycine 2163 with valine.
Molecular consequence: missense variant.
Genome position (GRCh38, 1-based): chr16:3,728,559, C>A on the plus strand (G>T on the coding strand, the complement: CREBBP is on the minus strand). VCF-style: chr16-3728559-C-A. GRCh37 (hg19) VCF-style: chr16-3778560-C-A.
Other names: c.6374G>T, p.Gly2125Val (NM_001079846.1); short protein forms G2163V, G2125V.
Identifiers: ClinVar variation 4234035 (VCV004234035.2).

ClinVar aggregate classification (germline): Uncertain significance. Review status: criteria provided, multiple submitters, no conflicts (2 of 4 stars). 2 submissions from 2 submitters: Uncertain significance (2). Last evaluated 2025-08-21.

Conditions:
Inborn genetic diseases. Identifiers: MedGen C0950123, MeSH D030342.

Submissions (2):

Ambry Genetics
Classification: Uncertain significance for Inborn genetic diseases. Last evaluated: 2025-08-21. Review status: criteria provided, single submitter. Criteria: Ambry Variant Classification Scheme 2023. Collection method: clinical testing. Allele origin: germline.

GeneDx
Classification: Uncertain significance. Last evaluated: 2025-06-12. Review status: criteria provided, single submitter. Criteria: GeneDx Variant Classification Process June 2021. Collection method: clinical testing. Allele origin: germline. Affected: yes.
Comment: Not observed at significant frequency in large population cohorts (gnomAD); In silico analysis supports that this missense variant has a deleterious effect on protein structure/function; Has not been previously published as pathogenic or benign to our knowledge; This variant is associated with the following publications: (PMID: 8616895)